The following is an entry in ClinVar:

NM_207346.3(TSEN54):c.692C>T (p.Pro231Leu)

Gene: TSEN54 (tRNA splicing endonuclease subunit 54; plus strand). Cytogenetic location: 17q25.1.
Variant type: single nucleotide variant.
Coding change: c.692C>T on transcript NM_207346.3 (MANE Select); coding-DNA position 692, C replaced by T.
Protein change: p.Pro231Leu; replaces proline 231 with leucine.
Molecular consequence: missense variant.
Genome position (GRCh38, 1-based): chr17:75,521,773, C>T. VCF-style: chr17-75521773-C-T. GRCh37 (hg19) VCF-style: chr17-73517854-C-T.
Other names: short protein forms P231L.
Identifiers: ClinVar variation 325086 (VCV000325086.16), dbSNP rs141249409, ClinGen allele CA8764249.
Genomic context (GRCh38, chr17:75,521,773, plus strand): 5'-ATAAGAAGGCCAAGGCCCTGGACAACTCCCTGCAACCCAAGAGTCTGGCAGCCTCCAGCC[C>T]ACCTCCCTGCAGCCAGCCCAGCCAATGCCCAGAGGAGAAACCCCAGGAGTCAAGCCCCAT-3'
Protein context (NP_997229.2, residues 221-241): LQPKSLAASS[Pro231Leu]PPCSQPSQCP

ClinVar aggregate classification (germline): Benign/Likely benign. Review status: criteria provided, multiple submitters, no conflicts (2 of 4 stars). 4 submissions from 4 submitters: Benign (1); Likely benign (2). 1 of the submissions does not count toward it. Last evaluated 2026-01-16.

Conditions:
TSEN54-related disorder. Also called: TSEN54-related condition.
Pontoneocerebellar hypoplasia. Also called: Pontocerebellar hypoplasia; Non-syndromic pontocerebellar hypoplasia. Identifiers: Orphanet 98523, MedGen C1261175, MONDO:0020135.

Allele frequency attached by ClinVar (database versions not stated): gnomAD exomes 0.00006 and 0.00023; ExAC 0.00034; 1000 Genomes Project 0.00060; 1000 Genomes Project 30x 0.00062; TOPMed 0.00066; gnomAD 0.00068 and 0.00070; ESP Exome Variant Server 0.00108.
gnomAD v4.1: 188 of 1,612,890 alleles (0.012%); highest among the groups gnomAD compares: African/African-American, 0.23%; 1 homozygote.

Submissions (4):

Labcorp Genetics (formerly Invitae), Labcorp
Classification: Benign. Last evaluated: 2026-01-16. Review status: criteria provided, single submitter. Criteria: Invitae Variant Classification Sherloc (09022015). Collection method: clinical testing. Allele origin: germline.

Illumina Laboratory Services, Illumina
Classification: Likely benign for Pontoneocerebellar hypoplasia. Last evaluated: 2018-01-13. Review status: criteria provided, single submitter. Criteria: ICSL Variant Classification Criteria 13 December 2019. Collection method: clinical testing. Allele origin: germline.
Comment: This variant was observed in the ICSL laboratory as part of a predisposition screen in an ostensibly healthy population. It had not been previously curated by ICSL or reported in the Human Gene Mutation Database (HGMD: prior to June 1st, 2018), and was therefore a candidate for classification through an automated scoring system. Utilizing variant allele frequency, disease prevalence and penetrance estimates, and inheritance mode, an automated score was calculated to assess if this variant is too frequent to cause the disease. Based on the score and internal cut-off values, a variant classified as likely benign is not then subjected to further curation. The score for this variant resulted in a classification of likely benign for this disease.

Breakthrough Genomics
Classification: Likely benign. Review status: criteria provided, single submitter. Criteria: ACMG Guidelines, 2015. Collection method: not provided. Allele origin: germline. Inheritance: Autosomal recessive inheritance. Affected: yes.

PreventionGenetics, part of Exact Sciences
Classification: Likely benign for TSEN54-related condition. Last evaluated: 2023-07-16. Review status: no assertion criteria provided. Collection method: clinical testing. Allele origin: germline. Not counted in ClinVar's aggregate classification.
Comment: This variant is classified as likely benign based on ACMG/AMP sequence variant interpretation guidelines (Richards et al. 2015 PMID: 25741868, with internal and published modifications).